The following is an entry in ClinVar:

ClinVar aggregate classification (germline): Likely benign (1 of 4 stars; one submission).

Submission:

CeGaT Center for Human Genetics Tuebingen
Classification: Likely benign. Last evaluated: 2025-11-01. Review status: criteria provided, single submitter. Criteria: CeGaT Center For Human Genetics Tuebingen Variant Classification Criteria Version 2. Collection method: clinical testing. Allele origin: germline. Affected: yes. Observed: 1 variant allele.
Comment: SHANK3: PM2:Supporting, BP4, BP7

NM_001372044.2(SHANK3):c.3210T>G (p.Gly1070=)

Gene: SHANK3 (SH3 and multiple ankyrin repeat domains 3; plus strand). Cytogenetic location: 22q13.33.
Variant type: single nucleotide variant.
Coding change: c.3210T>G on transcript NM_001372044.2 (MANE Select); coding-DNA position 3210, T replaced by G.
Protein change: p.Gly1070=; no amino-acid change (glycine 1070 retained).
Molecular consequence: synonymous variant.
Genome position (GRCh38, 1-based): chr22:50,720,818, T>G. VCF-style: chr22-50720818-T-G. GRCh37 (hg19) VCF-style: chr22-51159246-T-G.
Identifiers: ClinVar variation 4534576 (VCV004534576.6).